The following is an entry in ClinVar:

NM_004006.3(DMD):c.4518G>A (p.Val1506=)

Gene: DMD (dystrophin; minus strand). Cytogenetic location: Xp21.1.
Variant type: single nucleotide variant.
Coding change: c.4518G>A on transcript NM_004006.3 (MANE Select); coding-DNA position 4518, G replaced by A.
Protein change: p.Val1506=; no amino-acid change (valine 1506 retained).
Molecular consequence: synonymous variant.
Genome position (GRCh38, 1-based): chrX:32,389,501, C>T on the plus strand (G>A on the coding strand, the complement: DMD is on the minus strand). VCF-style: chrX-32389501-C-T. GRCh37 (hg19) VCF-style: chrX-32407618-C-T.
Other names: c.4494G>A, p.Val1498= (NM_000109.4); c.4506G>A, p.Val1502= (NM_004009.3); c.4149G>A, p.Val1383= (NM_004010.3); c.495G>A, p.Val165= (NM_004011.4); c.486G>A, p.Val162= (NM_004012.4).
Identifiers: ClinVar variation 499189 (VCV000499189.10), dbSNP rs1557322177, ClinGen allele CA515715157.

ClinVar aggregate classification (germline): Conflicting classifications of pathogenicity. Review status: criteria provided, conflicting classifications (1 of 4 stars). 2 submissions from 2 submitters: Likely pathogenic (1); Uncertain significance (1). Last evaluated 2022-08-22.

Conditions:
Duchenne muscular dystrophy (DMD). Also called: MUSCULAR DYSTROPHY, PSEUDOHYPERTROPHIC PROGRESSIVE, DUCHENNE TYPE; Duchenne Muscular Dystrophy (DMD). Identifiers: Orphanet 98896, MedGen C0013264, MONDO:0010679, OMIM 310200.

Submissions (2):

Labcorp Genetics (formerly Invitae), Labcorp
Classification: Likely pathogenic for Duchenne muscular dystrophy. Last evaluated: 2022-08-22. Review status: criteria provided, single submitter. Criteria: Invitae Variant Classification Sherloc (09022015). Collection method: clinical testing. Allele origin: germline.
Comment: In summary, the currently available evidence indicates that the variant is pathogenic, but additional data are needed to prove that conclusively. Therefore, this variant has been classified as Likely Pathogenic. Variants that disrupt the consensus splice site are a relatively common cause of aberrant splicing (PMID: 17576681, 9536098). Algorithms developed to predict the effect of sequence changes on RNA splicing suggest that this variant may disrupt the consensus splice site. ClinVar contains an entry for this variant (Variation ID: 499189). This variant has been observed in individuals with clinical features of DMD-related conditions (PMID: 19937601, 33101180; Invitae). This variant is not present in population databases (gnomAD no frequency). This sequence change affects codon 1506 of the DMD mRNA. It is a 'silent' change, meaning that it does not change the encoded amino acid sequence of the DMD protein. This variant also falls at the last nucleotide of exon 32, which is part of the consensus splice site for this exon.

Eurofins Ntd Llc (ga)
Classification: Uncertain significance. Last evaluated: 2017-11-21. Review status: criteria provided, single submitter. Criteria: EGL Classification Definitions 2015. Collection method: clinical testing. Allele origin: germline. Observed: 1 variant allele, 1 hemizygote.

Literature cited by the submitters: PubMed 17576681 (cited by Labcorp Genetics (formerly Invitae), Labcorp); PubMed 9536098 (cited by Labcorp Genetics (formerly Invitae), Labcorp); PubMed 19937601 (cited by Labcorp Genetics (formerly Invitae), Labcorp); PubMed 33101180 (cited by Labcorp Genetics (formerly Invitae), Labcorp).